The following is an entry in ClinVar:

NM_001128840.3(CACNA1D):c.6444GGA[3] (p.Glu2149_Asp2150insGlu)

Gene: CACNA1D (calcium voltage-gated channel subunit alpha1 D; plus strand). Cytogenetic location: 3p21.1.
Variant type: Microsatellite.
Coding change: c.6444GGA[3] on transcript NM_001128840.3 (MANE Select); three copies in a row of the 3-base unit GGA starting at c.6444; the reference has two copies in a row; one copy, 3 bases duplicated.
Protein change: p.Glu2149_Asp2150insGlu.
Molecular consequence: inframe insertion.
Genome position (GRCh38, 1-based): chr3:53,811,367-53,811,369, GGA duplicated; duplicating any 3 consecutive bases within chr3:53,811,362-53,811,369 gives the same sequence; the position shown is the placement nearest the transcript's 3' end. VCF-style (leftmost placement, unchanged base first): chr3-53811361-T-TGAG. GRCh37 (hg19) VCF-style: chr3-53845388-T-TGAG.
Other names: c.6504GGA[3], p.Glu2169_Asp2170insGlu (NM_000720.4); c.6372GGA[3], p.Glu2125_Asp2126insGlu (NM_001128839.3).
Identifiers: ClinVar variation 4686156 (VCV004686156.1).
Genomic context (GRCh38, chr3:53,811,361, plus strand): 5'-CTATGAGCTACAGGACTTTGGTCCTGGCTACAGCGACGAAGAGCCAGACCCTGGGAGGGA[T>TGAG]GAGGAGGACCTGGCGGATGAAATGATATGCATCACCACCTTGTAGCCCCCAGCGAGGGGC-3'

ClinVar aggregate classification (germline): Uncertain significance (1 of 4 stars; one submission).

Submission:

GeneDx
Classification: Uncertain significance. Last evaluated: 2025-07-17. Review status: criteria provided, single submitter. Criteria: GeneDx Variant Classification Process June 2021. Collection method: clinical testing. Allele origin: germline. Affected: yes.
Comment: Not observed at significant frequency in large population cohorts (gnomAD); In-frame duplication of 1 amino acid(s) in a non-repeat region; Has not been previously published as pathogenic or benign to our knowledge